The following is an entry in ClinVar:

NM_002470.4(MYH3):c.4031T>C (p.Leu1344Pro)

Gene: MYH3 (myosin heavy chain 3; minus strand). Cytogenetic location: 17p13.1.
Variant type: single nucleotide variant.
Coding change: c.4031T>C on transcript NM_002470.4 (MANE Select); coding-DNA position 4031, T replaced by C.
Protein change: p.Leu1344Pro; replaces leucine 1344 with proline.
Molecular consequence: missense variant.
Genome position (GRCh38, 1-based): chr17:10,635,508, A>G on the plus strand (T>C on the coding strand, the complement: MYH3 is on the minus strand). VCF-style: chr17-10635508-A-G. GRCh37 (hg19) VCF-style: chr17-10538825-A-G.
Other names: short protein forms L1344P.
Identifiers: ClinVar variation 634840 (VCV000634840.4), dbSNP rs1567553806, ClinGen allele CA398145372.

ClinVar aggregate classification (germline): Uncertain significance. Review status: criteria provided, single submitter (1 of 4 stars). 2 submissions from 2 submitters: Uncertain significance (1). 1 of the submissions does not count toward it. Last evaluated 2019-08-21.

Conditions:
Contractures, pterygia, and spondylocarpotarsal fusion syndrome 1A (CPSFS1A). Also called: MULTIPLE PTERYGIUM SYNDROME, AUTOSOMAL DOMINANT; Distal arthrogryposis type 8; Contractures, pterygia, and variable skeletal fusions syndrome 1A. Identifiers: Orphanet 65743, MedGen C1867440, MONDO:0008338, OMIM 178110.

Submissions (2):

SIB Swiss Institute of Bioinformatics
Classification: Uncertain significance for Contractures, pterygia, and spondylocarpotarsal fusion syndrome 1A. Last evaluated: 2019-08-21. Review status: criteria provided, single submitter. Criteria: ACMG Guidelines, 2015. Collection method: curation. Allele origin: unknown.
Comment: This variant is interpreted as a variant of uncertain significance for Contractures, pterygia, and variable skeletal fusions syndrome 1A, autosomal dominant. The following ACMG Tag(s) were applied: PM2, PP3.

OMIM
Classification: Pathogenic for CONTRACTURES, PTERYGIA, AND SPONDYLOCARPOTARSAL FUSION SYNDROME 1A. Last evaluated: 2020-02-27. Review status: no assertion criteria provided. Collection method: literature only. Allele origin: germline. Not counted in ClinVar's aggregate classification.

Literature cited by the submitters: PubMed 27381093 (cited by SIB Swiss Institute of Bioinformatics and OMIM).